The following is an entry in ClinVar:

ClinVar aggregate classification (germline): Uncertain significance. Review status: criteria provided, multiple submitters, no conflicts (2 of 4 stars). 3 submissions from 3 submitters: Uncertain significance (3). Last evaluated 2024-06-22.

Conditions:
Inborn genetic diseases. Identifiers: MedGen C0950123, MeSH D030342.
LAMB2-related infantile-onset nephrotic syndrome. Also called: NEPHROTIC SYNDROME, TYPE 5, WITHOUT OCULAR ABNORMALITIES; NEPHROTIC SYNDROME, TYPE 5, WITH OCULAR ABNORMALITIES; Nephrotic Syndrome, type 5. Identifiers: Orphanet 306507, MedGen C3280113, MONDO:0013621, OMIM 614199.
Pierson syndrome. Also called: MICROCORIA-CONGENITAL NEPHROTIC SYNDROME. Identifiers: Orphanet 2670, MedGen C1836876, MONDO:0012184, OMIM 609049.

Allele frequency attached by ClinVar (database versions not stated): ExAC 0.00003; gnomAD 0.00003 and 0.00004; gnomAD exomes 0.00003 and 0.00004.
gnomAD v4.1: 63 of 1,614,094 alleles (0.0039%); highest among the groups gnomAD compares: Admixed American, 0.0083%; no homozygotes.

Submissions (3):

Ambry Genetics
Classification: Uncertain significance for Inborn genetic diseases. Last evaluated: 2024-06-22. Review status: criteria provided, single submitter. Criteria: Ambry Variant Classification Scheme 2023. Collection method: clinical testing. Allele origin: germline.

Labcorp Genetics (formerly Invitae), Labcorp
Classification: Uncertain significance for LAMB2-related infantile-onset nephrotic syndrome; Pierson syndrome. Last evaluated: 2022-07-19. Review status: criteria provided, single submitter. Criteria: Invitae Variant Classification Sherloc (09022015). Collection method: clinical testing. Allele origin: germline.
Comment: This sequence change replaces arginine, which is basic and polar, with glutamine, which is neutral and polar, at codon 120 of the LAMB2 protein (p.Arg120Gln). This variant is present in population databases (rs767595866, gnomAD 0.006%). This variant has not been reported in the literature in individuals affected with LAMB2-related conditions. ClinVar contains an entry for this variant (Variation ID: 1364387). Algorithms developed to predict the effect of missense changes on protein structure and function are either unavailable or do not agree on the potential impact of this missense change (SIFT: "Tolerated"; PolyPhen-2: "Possibly Damaging"; Align-GVGD: "Class C0"). In summary, the available evidence is currently insufficient to determine the role of this variant in disease. Therefore, it has been classified as a Variant of Uncertain Significance.

Blueprint Genetics
Classification: Uncertain significance. Last evaluated: 2021-11-18. Review status: criteria provided, single submitter. Criteria: ACMG Guidelines, 2015. Collection method: clinical testing. Allele origin: germline.

NM_002292.4(LAMB2):c.359G>A (p.Arg120Gln)

Gene: LAMB2 (laminin subunit beta 2; minus strand). Cytogenetic location: 3p21.31.
Variant type: single nucleotide variant.
Coding change: c.359G>A on transcript NM_002292.4 (MANE Select); coding-DNA position 359, G replaced by A.
Protein change: p.Arg120Gln; replaces arginine 120 with glutamine.
Molecular consequence: missense variant.
Genome position (GRCh38, 1-based): chr3:49,132,296, C>T on the plus strand (G>A on the coding strand, the complement: LAMB2 is on the minus strand). VCF-style: chr3-49132296-C-T. GRCh37 (hg19) VCF-style: chr3-49169729-C-T.
Other names: c.359G>A (NM_002292.3); short protein forms R120Q.
Identifiers: ClinVar variation 1364387 (VCV001364387.5), dbSNP rs767595866, ClinGen allele CA2394954.
Genomic context (GRCh38, chr3:49,132,296, plus strand): 5'-GCCCTGCTCACTTTTGCCCCACCCATGGCCTCACCATTCTCTGACTGCCACCAGGCTGCC[C>T]GCCGCTGTGGTGCAAAGCTGGTGACTACATTCTGGATGCGATGGCTGTGTGGGTTGTCTC-3'
Protein context (NP_002283.3, residues 110-130): NVVTSFAPQR[Arg120Gln]AAWWQSENGI